The following is an entry in ClinVar:

ClinVar aggregate classification (germline): Uncertain significance (1 of 4 stars; one submission).

Submission:

Labcorp Genetics (formerly Invitae), Labcorp
Classification: Uncertain significance. Last evaluated: 2022-05-16. Review status: criteria provided, single submitter. Criteria: Invitae Variant Classification Sherloc (09022015). Collection method: clinical testing. Allele origin: germline.
Comment: In summary, the available evidence is currently insufficient to determine the role of this variant in disease. Therefore, it has been classified as a Variant of Uncertain Significance. Algorithms developed to predict the effect of missense changes on protein structure and function (SIFT, PolyPhen-2, Align-GVGD) all suggest that this variant is likely to be tolerated. This variant has not been reported in the literature in individuals affected with APC2-related conditions. This variant is not present in population databases (gnomAD no frequency). This sequence change replaces alanine, which is neutral and non-polar, with threonine, which is neutral and polar, at codon 980 of the APC2 protein (p.Ala980Thr).

NM_005883.3(APC2):c.2938G>A (p.Ala980Thr)

Gene: APC2 (APC regulator of Wnt signaling pathway 2; plus strand). Cytogenetic location: 19p13.3.
Variant type: single nucleotide variant.
Coding change: c.2938G>A on transcript NM_005883.3 (MANE Select); coding-DNA position 2938, G replaced by A.
Protein change: p.Ala980Thr; replaces alanine 980 with threonine.
Molecular consequence: missense variant.
Genome position (GRCh38, 1-based): chr19:1,466,239, G>A. VCF-style: chr19-1466239-G-A. GRCh37 (hg19) VCF-style: chr19-1466238-G-A.
Other names: c.2935G>A, p.Ala979Thr (NM_001351273.1); short protein forms A979T, A980T.
Identifiers: ClinVar variation 1995158 (VCV001995158.4), dbSNP rs2512519969, ClinGen allele CA403028394.